The following is an entry in ClinVar:

ClinVar aggregate classification (germline): Uncertain significance (1 of 4 stars; one submission).

Submission:

GeneDx
Classification: Uncertain significance. Last evaluated: 2023-03-17. Review status: criteria provided, single submitter. Criteria: GeneDx Variant Classification Process June 2021. Collection method: clinical testing. Allele origin: germline. Affected: yes.
Comment: Not observed at significant frequency in large population cohorts (gnomAD); In silico analysis supports that this missense variant has a deleterious effect on protein structure/function; Has not been previously published as pathogenic or benign to our knowledge

NM_001148.6(ANK2):c.11672A>T (p.His3891Leu)

Gene: ANK2 (ankyrin 2; plus strand). Cytogenetic location: 4q26.
Variant type: single nucleotide variant.
Coding change: c.11672A>T on transcript NM_001148.6 (MANE Select); coding-DNA position 11672, A replaced by T.
Protein change: p.His3891Leu; replaces histidine 3891 with leucine.
Molecular consequence: missense variant. On other transcripts: intron variant (1).
Genome position (GRCh38, 1-based): chr4:113,373,151, A>T. VCF-style: chr4-113373151-A-T. GRCh37 (hg19) VCF-style: chr4-114294307-A-T.
Other names: c.5390A>T, p.His1797Leu (NM_001127493.3); c.5429A>T, p.His1810Leu (NM_001354225.2); c.5411A>T, p.His1804Leu (NM_001354228.2); c.5396A>T, p.His1799Leu (NM_001354230.2); c.5552A>T, p.His1851Leu (NM_001354231.2); c.5546A>T, p.His1849Leu (NM_001354232.2); c.5507A>T, p.His1836Leu (NM_001354235.2); c.5315A>T, p.His1772Leu (NM_001354236.2); and 44 more; short protein forms H1645L, H1678L, H1706L, H1711L, H1719L, H1728L, H1731L, H1733L.
Identifiers: ClinVar variation 2580790 (VCV002580790.1), dbSNP rs2508414910, ClinGen allele CA357943455.